The following is an entry in ClinVar:

NM_017617.5(NOTCH1):c.1846G>A (p.Gly616Ser)

Gene: NOTCH1 (notch receptor 1; minus strand). Cytogenetic location: 9q34.3.
Variant type: single nucleotide variant.
Coding change: c.1846G>A on transcript NM_017617.5 (MANE Select); coding-DNA position 1846, G replaced by A.
Protein change: p.Gly616Ser; replaces glycine 616 with serine.
Molecular consequence: missense variant.
Genome position (GRCh38, 1-based): chr9:136,515,540, C>T on the plus strand (G>A on the coding strand, the complement: NOTCH1 is on the minus strand). VCF-style: chr9-136515540-C-T. GRCh37 (hg19) VCF-style: chr9-139409992-C-T.
Other names: short protein forms G616S.
Identifiers: ClinVar variation 1219490 (VCV001219490.4), dbSNP rs2133363522, ClinGen allele CA375559664.

ClinVar aggregate classification (germline): Uncertain significance. Review status: criteria provided, multiple submitters, no conflicts (2 of 4 stars). 2 submissions from 2 submitters: Uncertain significance (2). Last evaluated 2022-01-13.

Allele frequency attached by ClinVar (database versions not stated): gnomAD exomes 0.00001.
gnomAD v4.1: 7 of 1,611,716 alleles (0.00043%); highest among the groups gnomAD compares: Non-Finnish European, 0.00059%; no homozygotes.

Submissions (2):

Blueprint Genetics
Classification: Uncertain significance. Last evaluated: 2022-01-13. Review status: criteria provided, single submitter. Criteria: ACMG Guidelines, 2015. Collection method: clinical testing. Allele origin: germline.

GeneDx
Classification: Uncertain significance. Last evaluated: 2019-11-21. Review status: criteria provided, single submitter. Criteria: GeneDx Variant Classification Process June 2021. Collection method: clinical testing. Allele origin: germline. Affected: yes.
Comment: Not observed in large population cohorts (Lek et al., 2016); In silico analysis, which includes protein predictors and evolutionary conservation, supports a deleterious effect; Has not been previously published as pathogenic or benign to our knowledge